The following is an entry in ClinVar:

NM_000059.4(BRCA2):c.5729A>T (p.Asn1910Ile)

Gene: BRCA2 (BRCA2 DNA repair associated; plus strand). Cytogenetic location: 13q13.1.
Variant type: single nucleotide variant.
Coding change: c.5729A>T on transcript NM_000059.4 (MANE Select); coding-DNA position 5729, A replaced by T.
Protein change: p.Asn1910Ile; replaces asparagine 1910 with isoleucine.
Molecular consequence: missense variant.
Genome position (GRCh38, 1-based): chr13:32,340,084, A>T. VCF-style: chr13-32340084-A-T. GRCh37 (hg19) VCF-style: chr13-32914221-A-T.
Other names: 5957A>T; short protein forms N1910I.
Identifiers: ClinVar variation 96826 (VCV000096826.38), dbSNP rs276174863, ClinGen allele CA023080.

ClinVar aggregate classification (germline): Conflicting classifications of pathogenicity. Review status: criteria provided, conflicting classifications (1 of 4 stars). 14 submissions from 14 submitters: Uncertain significance (8); Likely benign (4). 2 of the submissions do not count toward it. Last evaluated 2026-06-30.

Conditions:
BRCA2-related cancer predisposition. Identifiers: MedGen CN377758, MONDO:0700269.
BRCA2-related disorder. Also called: BRCA2-related condition; BRCA2-related disorders. Identifiers: MedGen CN239275.
Hereditary cancer-predisposing syndrome. Also called: Neoplastic Syndromes, Hereditary; Tumor predisposition; Hereditary Cancer Syndrome; Hereditary neoplastic syndrome. Identifiers: Orphanet 140162, MedGen C0027672, MeSH D009386, MONDO:0015356.
Hereditary breast ovarian cancer syndrome. Also called: BRCA1- and BRCA2-Associated Hereditary Breast and Ovarian Cancer; Hereditary breast and ovarian cancer; Hereditary breast and ovarian cancer syndrome; Hereditary breast and ovarian cancer syndrome (HBOC); Breast and ovarian cancer; Hereditary breast and/or ovarian cancer syndrome. Identifiers: Orphanet 145, MedGen C0677776, MeSH D061325, MONDO:0003582. Disease mechanism: loss of function.
Breast-ovarian cancer, familial, susceptibility to, 2 (BROVCA2). Also called: BRCA2 Hereditary Breast and Ovarian Cancer. Identifiers: Orphanet 145, MedGen C2675520, MONDO:0012933, OMIM 612555. Disease mechanism: loss of function.

Allele frequency attached by ClinVar (database versions not stated): gnomAD 0.00001; TOPMed 0.00001.
gnomAD v4.1: 8 of 1,613,844 alleles (0.0005%); highest among the groups gnomAD compares: Admixed American, 0.005%; no homozygotes.

Submissions 1 to 8 of 14:

Women's Health and Genetics/Laboratory Corporation of America, LabCorp
Classification: Uncertain significance. Last evaluated: 2026-06-30. Review status: criteria provided, single submitter. Criteria: LabCorp Variant Classification Summary - May 2015. Collection method: clinical testing. Allele origin: germline.
Comment: Variant summary: BRCA2 c.5729A>T (p.Asn1910Ile) results in a non-conservative amino acid change in the encoded protein sequence. Algorithms developed to predict the effect of missense changes on protein structure and function are either unavailable or do not agree on the potential impact of this missense change. The variant was absent in 250886 control chromosomes. The available data on variant occurrences in the general population are insufficient to allow any conclusion about variant significance. c.5729A>T has been observed in individuals affected with breast and/or ovarian cancer and at least one individual affected with pancreatic cancer, without strong evidence for causality (Beristain_2007, Vogel_2007, Palomba_2009, Peixoto_2015, Buzolin_2017, Castellanos_2017, Salazar Saez_2024, Rodrigues_2024). These reports do not provide unequivocal conclusions about association of the variant with Hereditary Breast And Ovarian Cancer Syndrome. To our knowledge, no experimental evidence demonstrating an impact on protein function has been reported. The following publications have been ascertained in the context of this evaluation (PMID: 17262179, 17925560, 19619314, 24916970, 28651617, 28051113, 39438962, 39256447). ClinVar contains an entry for this variant (Variation ID: 96826). Based on the evidence outlined above, the variant was classified as uncertain significance.

Labcorp Genetics (formerly Invitae), Labcorp
Classification: Likely benign for Hereditary breast ovarian cancer syndrome. Last evaluated: 2025-12-08. Review status: criteria provided, single submitter. Criteria: Invitae Variant Classification Sherloc (09022015). Collection method: clinical testing. Allele origin: germline.

PreventionGenetics, part of Exact Sciences
Classification: Likely benign for BRCA2-related condition. Last evaluated: 2025-12-03. Review status: criteria provided, single submitter. Criteria: ACMG Guidelines, 2015. Collection method: clinical testing. Allele origin: germline.
Comment: This variant is classified as likely benign based on ACMG/AMP sequence variant interpretation guidelines (Richards et al. 2015 PMID: 25741868, with internal and published modifications).

Quest Diagnostics Nichols Institute San Juan Capistrano
Classification: Uncertain significance. Last evaluated: 2025-09-16. Review status: criteria provided, single submitter. Criteria: Quest Diagnostics criteria. Collection method: clinical testing. Allele origin: unknown.
Comment: The BRCA2 c.5729A>T (p.Asn1910Ile) variant has been reported in the published literature in individuals with breast and/or ovarian cancer (PMID: 17262179 (2007), 17925560 (2007), 19619314 (2009), 24916970 (2015), 28651617 (2017), 35264596 (2022), 39438962 (2024)) and described to be located in a region of the BRCA2 gene that is tolerant to missense sequence changes (PMID: 31911673 (2020)). This variant was reported as being likely benign in a multifactorial likelihood study (PMID: 31131967 (2019)). The frequency of this variant in the general population (Genome Aggregation Database) is uninformative in the assessment of its pathogenicity. Analysis of this variant using bioinformatics tools for the prediction of the effect of amino acid changes on protein structure and function yielded predictions that this variant is benign. Based on the available information, we are unable to determine the clinical significance of this variant.

Ambry Genetics
Classification: Uncertain significance for Hereditary cancer-predisposing syndrome. Last evaluated: 2025-07-16. Review status: criteria provided, single submitter. Criteria: Ambry Variant Classification Scheme 2023. Collection method: clinical testing. Allele origin: germline.
Comment: The p.N1910I variant (also known as c.5729A>T), located in coding exon 10 of the BRCA2 gene, results from an A to T substitution at nucleotide position 5729. The asparagine at codon 1910 is replaced by isoleucine, an amino acid with dissimilar properties. This alteration has been previously reported in cohorts of individuals with personal and/or family history consistent with hereditary breast and/or ovarian cancer syndrome (HBOC) (Beristain E et al. Breast Cancer Res. Treat. 2007 Dec; 106(2):255-62; Vogel KJ et al. J. Clin. Oncol. 2007 Oct; 25(29):4635-41; Palomba G et al. BMC Cancer, 2009 Jul;9:245; Peixoto A et al. Clin. Genet. 2015 Jul; 88(1):41-8; Castellanos E et al. Sci Rep, 2017 01;7:39348; Guindalini RSC et al. Sci Rep, 2022 Mar;12:4190). This amino acid position is poorly conserved in available vertebrate species. In addition, this alteration is predicted to be tolerated by in silico analysis. Since supporting evidence is limited at this time, the clinical significance of this alteration remains unclear.

Revvity Omics, Revvity
Classification: Uncertain significance. Last evaluated: 2024-11-28. Review status: criteria provided, single submitter. Criteria: ACMG Guidelines, 2015. Collection method: clinical testing. Allele origin: germline.

ARUP Laboratories, Molecular Genetics and Genomics, ARUP Laboratories
Classification: Uncertain significance. Last evaluated: 2024-11-22. Review status: criteria provided, single submitter. Criteria: ARUP Molecular Germline Variant Investigation Process 2024. Collection method: clinical testing. Allele origin: germline.
Comment: The BRCA2 c.5729A>T; p.Asn1910Ile variant (rs276174863, ClinVar Variation ID 96826) is reported in the literature in just two individuals affected with breast or ovarian cancer (Buzolin 2017, Guindalini 2022). This variant is only observed on one allele in the Genome Aggregation Database (v2.1.1), indicating it is not a common polymorphism. Computational analyses are uncertain whether this variant is neutral or deleterious (REVEL: 0.307). Due to limited information, the clinical significance of this variant is uncertain at this time. References: Buzolin AL et al. Development and validation of a variant detection workflow for BRCA1 and BRCA2 genes and its clinical application based on the Ion Torrent technology. Hum Genomics. 2017 Jun 26. PMID: 28651617. Guindalini RSC et al. Detection of germline variants in Brazilian breast cancer patients using multigene panel testing. Sci Rep. 2022 Mar 9. PMID: 35264596.

All of Us Research Program, National Institutes of Health
Classification: Uncertain significance for BRCA2-related cancer predisposition. Last evaluated: 2024-05-30. Review status: criteria provided, single submitter. Criteria: ACMG Guidelines, 2015. Collection method: clinical testing. Allele origin: germline. Inheritance: Autosomal dominant inheritance. Observed: 2 variant alleles, 2 heterozygotes.
Comment: This missense variant replaces asparagine with isoleucine at codon 1910 of the BRCA2 protein. This variant is also known as 5957A>T in the literature. Computational prediction suggests that this variant may not impact protein structure and function. To our knowledge, functional studies have not been reported for this variant. This variant has been reported in at least three individuals affected with breast and/or ovarian cancer (PMID: 17262179, 17925560, 19619314, 35264596). A multifactorial analysis has reported likelihood ratios for pathogenicity based on segregation, tumor pathology, co-occurrence with a pathogenic variant and family history of 0.3787, 0.6942, 1.1293, 0.6521, respectively (PMID: 31131967). This variant has been identified in 1/31408 chromosomes in the general population by the Genome Aggregation Database (gnomAD). The available evidence is insufficient to determine the role of this variant in disease conclusively. Therefore, this variant is classified as a Variant of Uncertain Significance.

This study involves interpretation of variants in research participants for the purpose of population health screening. Participant phenotype was not available at the time of variant classification. Additional details can be found in publication PMID: 35346344, PMCID: PMC8962531